The following is an entry in ClinVar:

NM_015192.4(PLCB1):c.1473T>A (p.Ser491Arg)

Gene: PLCB1 (phospholipase C beta 1; plus strand). Cytogenetic location: 20p12.3.
Variant type: single nucleotide variant.
Coding change: c.1473T>A on transcript NM_015192.4 (MANE Select); coding-DNA position 1473, T replaced by A.
Protein change: p.Ser491Arg; replaces serine 491 with arginine.
Molecular consequence: missense variant.
Genome position (GRCh38, 1-based): chr20:8,717,808, T>A. VCF-style: chr20-8717808-T-A. GRCh37 (hg19) VCF-style: chr20-8698455-T-A.
Other names: c.1473T>A, p.Ser491Arg (NM_182734.3); short protein forms S491R.
Identifiers: ClinVar variation 1484895 (VCV001484895.3), dbSNP rs2123468950, ClinGen allele CA408201521.

ClinVar aggregate classification (germline): Uncertain significance (1 of 4 stars; one submission).

Conditions:
Developmental and epileptic encephalopathy, 12 (DEE12). Identifiers: MedGen C3150988, MONDO:0013389, OMIM 613722.

Allele frequency attached by ClinVar (database versions not stated): gnomAD exomes below 0.00001.
gnomAD v4.1: 1 of 1,613,742 alleles (0.000062%); highest among the groups gnomAD compares: South Asian, 0.0011%; no homozygotes.

Submission:

Labcorp Genetics (formerly Invitae), Labcorp
Classification: Uncertain significance for Developmental and epileptic encephalopathy, 12. Last evaluated: 2021-11-02. Review status: criteria provided, single submitter. Criteria: Invitae Variant Classification Sherloc (09022015). Collection method: clinical testing. Allele origin: germline.
Comment: This sequence change replaces serine, which is neutral and polar, with arginine, which is basic and polar, at codon 491 of the PLCB1 protein (p.Ser491Arg). This variant is not present in population databases (gnomAD no frequency). This variant has not been reported in the literature in individuals affected with PLCB1-related conditions. Algorithms developed to predict the effect of missense changes on protein structure and function are either unavailable or do not agree on the potential impact of this missense change (SIFT: "Deleterious"; PolyPhen-2: "Benign"; Align-GVGD: "Class C0"). In summary, the available evidence is currently insufficient to determine the role of this variant in disease. Therefore, it has been classified as a Variant of Uncertain Significance.